The following is an entry in ClinVar:

ClinVar aggregate classification (germline): Likely benign. Review status: criteria provided, multiple submitters, no conflicts (2 of 4 stars). 3 submissions from 3 submitters: Likely benign (3). Last evaluated 2026-01-20.

Conditions:
CNGA3-related disorder. Also called: CNGA3-related condition.

Allele frequency attached by ClinVar (database versions not stated): ExAC 0.00002; gnomAD exomes 0.00002 and 0.00005; gnomAD 0.00004; TOPMed 0.00006.
gnomAD v4.1: 37 of 1,613,608 alleles (0.0023%); highest among the groups gnomAD compares: Admixed American, 0.022%; no homozygotes.

Submissions (3):

Labcorp Genetics (formerly Invitae), Labcorp
Classification: Likely benign. Last evaluated: 2026-01-20. Review status: criteria provided, single submitter. Criteria: Invitae Variant Classification Sherloc (09022015). Collection method: clinical testing. Allele origin: germline.

PreventionGenetics, part of Exact Sciences
Classification: Likely benign for CNGA3-related condition. Last evaluated: 2025-10-10. Review status: criteria provided, single submitter. Criteria: ACMG Guidelines, 2015. Collection method: clinical testing. Allele origin: germline.
Comment: This variant is classified as likely benign based on ACMG/AMP sequence variant interpretation guidelines (Richards et al. 2015 PMID: 25741868, with internal and published modifications).

Blueprint Genetics
Classification: Likely benign. Last evaluated: 2024-09-16. Review status: criteria provided, single submitter. Criteria: ACMG Guidelines, 2015. Collection method: clinical testing. Allele origin: germline.

NM_001298.3(CNGA3):c.2073C>T (p.Asp691=)

Gene: CNGA3 (cyclic nucleotide gated channel subunit alpha 3; plus strand). Cytogenetic location: 2q11.2.
Variant type: single nucleotide variant.
Coding change: c.2073C>T on transcript NM_001298.3 (MANE Select); coding-DNA position 2073, C replaced by T.
Protein change: p.Asp691=; no amino-acid change (aspartic acid 691 retained).
Molecular consequence: synonymous variant.
Genome position (GRCh38, 1-based): chr2:98,397,243, C>T. VCF-style: chr2-98397243-C-T. GRCh37 (hg19) VCF-style: chr2-99013706-C-T.
Other names: c.2073C>T (NM_001298.2); c.2019C>T, p.Asp673= (NM_001079878.2).
Identifiers: ClinVar variation 1646181 (VCV001646181.10), dbSNP rs777984739, ClinGen allele CA1794143.